The following is an entry in ClinVar:

ClinVar aggregate classification (germline): Likely benign (1 of 4 stars; one submission).

gnomAD v4.1: 284 of 1,371,826 alleles (0.021%); highest among the groups gnomAD compares: Non-Finnish European, 0.025%; 1 homozygote.

Submission:

CeGaT Center for Human Genetics Tuebingen
Classification: Likely benign. Last evaluated: 2025-04-01. Review status: criteria provided, single submitter. Criteria: CeGaT Center For Human Genetics Tuebingen Variant Classification Criteria Version 2. Collection method: clinical testing. Allele origin: germline. Affected: yes. Observed: 1 variant allele.
Comment: ZFHX3: BP4, BP7

NM_006885.4(ZFHX3):c.10560C>T (p.Gly3520=)

Genes: ZFHX3 (zinc finger homeobox 3; minus strand), ZFHX3-AS1 (ZFHX3 antisense RNA 1; plus strand). Cytogenetic location: 16q22.2.
Variant type: single nucleotide variant.
Coding change: c.10560C>T on transcript NM_006885.4 (MANE Select); coding-DNA position 10560, C replaced by T.
Protein change: p.Gly3520=; no amino-acid change (glycine 3520 retained).
Molecular consequence: synonymous variant.
Genome position (GRCh38, 1-based): chr16:72,787,716, G>A on the plus strand (C>T on the coding strand, the complement: ZFHX3 is on the minus strand). VCF-style: chr16-72787716-G-A. GRCh37 (hg19) VCF-style: chr16-72821615-G-A.
Other names: c.7818C>T, p.Gly2606= (NM_001164766.2); c.10560C>T, p.Gly3520= (NM_001386735.1).
Identifiers: ClinVar variation 3898163 (VCV003898163.7).